The following is an entry in ClinVar:

NC_000014.8:g.(?_50626129)_(50628347_?)del

Gene: SOS2 (SOS Ras/Rho guanine nucleotide exchange factor 2; minus strand). Cytogenetic location: 14q21.3.
Variant type: Deletion.
Identifiers: ClinVar variation 3244038 (VCV003244038.1).

ClinVar aggregate classification (germline): Uncertain significance (1 of 4 stars; one submission).

Conditions:
Noonan syndrome 9 (NS9). Identifiers: Orphanet 648, MedGen C4225282, MONDO:0014691, OMIM 616559.

Submission:

Labcorp Genetics (formerly Invitae), Labcorp
Classification: Uncertain significance for Noonan syndrome 9. Last evaluated: 2023-03-23. Review status: criteria provided, single submitter. Criteria: Invitae Variant Classification Sherloc (09022015). Collection method: clinical testing. Allele origin: unknown.
Comment: This variant is a gross deletion of the genomic region encompassing exon(s) 9-10 of the SOS2 gene. This deletion is out-of-frame, and is expected to create a premature translational stop signal and result in an absent or disrupted protein product. However, the current clinical and genetic evidence is not sufficient to establish whether loss-of-function variants in SOS2 cause disease. In summary, the available evidence is currently insufficient to determine the role of this variant in disease. Therefore, it has been classified as a Variant of Uncertain Significance. This variant has not been reported in the literature in individuals affected with SOS2-related conditions.